The following is an entry in ClinVar:

ClinVar aggregate classification (germline): Likely pathogenic (1 of 4 stars; one submission).

Conditions:
Mucopolysaccharidosis, MPS-II (MPS2). Also called: Hunter Syndrome; IDURONATE 2-SULFATASE DEFICIENCY; Mucopolysaccharidosis Type II; Mucopolysaccharidosis type 2; Attenuated MPS (subtype; formerly known as mild MPS II); Severe MPS II. Identifiers: Orphanet 580, Orphanet 79388, MedGen C0026705, MONDO:0010674, OMIM 309900.

Submission:

Laboratory of Diagnosis and Therapy of Lysosomal Disorders, University of Padova
Classification: Likely pathogenic for Mucopolysaccharidosis, MPS-II. Last evaluated: 2024-06-07. Review status: criteria provided, single submitter. Criteria: ACMG Guidelines, 2015. Collection method: literature only. Allele origin: germline. Affected: yes. Observed: 1 variant allele.
Comment: Null variant (PVS1_Strong), Absent from controls (or at low frequency) in gnomAD database (PM2_Moderate), Patient’s phenotype or family history highly specific for the disease (PP4_Moderate)

Classification method: ACMG Guidelines [PMID:25741868] with modifications

Literature cited by the submitters: PubMed 34670126.

NM_000202.8(IDS):c.1453dup (p.Ile485fs)

Gene: IDS (iduronate 2-sulfatase; minus strand). Cytogenetic location: Xq28.
Variant type: Duplication.
Coding change: c.1453dup on transcript NM_000202.8 (MANE Select); coding-DNA position 1453, one base duplicated (A; older notation c.1453dupA).
Protein change: p.Ile485fs; shifts the reading frame from isoleucine 485.
Molecular consequence: frameshift variant.
Genome position (GRCh38, 1-based): chrX:149,482,946, T duplicated on the plus strand (A on the coding strand, the reverse complement: IDS is on the minus strand). VCF-style (leftmost placement, unchanged base first): chrX-149482945-A-AT. GRCh37 (hg19) VCF-style: chrX-148564476-A-AT.
Other names: c.1183dup, p.Ile395fs (NM_001166550.4); short protein forms I395fs, I485fs.
Identifiers: ClinVar variation 3256064 (VCV003256064.2).